The following is an entry in ClinVar:

NM_000814.6(GABRB3):c.360C>G (p.Asp120Glu)

Gene: GABRB3 (gamma-aminobutyric acid type A receptor subunit beta3; minus strand). Cytogenetic location: 15q12.
Variant type: single nucleotide variant.
Coding change: c.360C>G on transcript NM_000814.6 (MANE Select); coding-DNA position 360, C replaced by G.
Protein change: p.Asp120Glu; replaces aspartic acid 120 with glutamic acid.
Molecular consequence: missense variant. On other transcripts: non-coding transcript variant (1).
Genome position (GRCh38, 1-based): chr15:26,621,415, G>C on the plus strand (C>G on the coding strand, the complement: GABRB3 is on the minus strand). VCF-style: chr15-26621415-G-C. GRCh37 (hg19) VCF-style: chr15-26866562-G-C.
Other names: c.105C>G, p.Asp35Glu (NM_001191320.2, NM_001278631.2); c.147C>G, p.Asp49Glu (NM_001191321.3); c.360C>G, p.Asp120Glu (NM_021912.5); short protein forms D120E, D35E, D49E.
Identifiers: ClinVar variation 3894574 (VCV003894574.1).

ClinVar aggregate classification (germline): Pathogenic (1 of 4 stars; one submission).

Conditions:
Developmental and epileptic encephalopathy, 43 (DEE43). Also called: Epileptic encephalopathy, early infantile, 43. Identifiers: MedGen C4310712, MONDO:0014921, OMIM 617113.

Submission:

MVZ Medizinische Genetik Mainz
Classification: Pathogenic for Developmental and epileptic encephalopathy, 43. Last evaluated: 2025-04-10. Review status: criteria provided, single submitter. Criteria: UK Practice Guidelines For Variant Classification V4 01 2020. Collection method: clinical testing. Allele origin: germline. Inheritance: Autosomal dominant inheritance. Affected: yes. Observed: 1 variant allele.
Comment: ACMG Criteria: PP3_STR,PM5,PM6,PM2_SUP,PP2